The following is an entry in ClinVar:

ClinVar aggregate classification (germline): Pathogenic (1 of 4 stars; one submission).

Conditions:
Neurodevelopmental disorder with or without hyperkinetic movements and seizures, autosomal dominant. Also called: Intellectual disability, autosomal dominant 8. Identifiers: MedGen C3280282, MONDO:0013655, OMIM 614254.

Submission:

Labcorp Genetics (formerly Invitae), Labcorp
Classification: Pathogenic for Neurodevelopmental disorder with or without hyperkinetic movements and seizures, autosomal dominant. Last evaluated: 2024-05-23. Review status: criteria provided, single submitter. Criteria: Invitae Variant Classification Sherloc (09022015). Collection method: clinical testing. Allele origin: germline.
Comment: This sequence change creates a premature translational stop signal (p.Gln177*) in the GRIN1 gene. It is expected to result in an absent or disrupted protein product. Loss-of-function variants in GRIN1 are known to be pathogenic (PMID: 27164704, 35393335). This variant is not present in population databases (gnomAD no frequency). This variant has not been reported in the literature in individuals affected with GRIN1-related conditions. ClinVar contains an entry for this variant (Variation ID: 1484756). For these reasons, this variant has been classified as Pathogenic.

Literature cited by the submitters: PubMed 27164704; PubMed 35393335.

NM_007327.4(GRIN1):c.529C>T (p.Gln177Ter)

Gene: GRIN1 (glutamate ionotropic receptor NMDA type subunit 1; plus strand). Cytogenetic location: 9q34.3.
Variant type: single nucleotide variant.
Coding change: c.529C>T on transcript NM_007327.4 (MANE Select); coding-DNA position 529, C replaced by T.
Protein change: p.Gln177Ter; replaces glutamine 177 with a stop codon.
Molecular consequence: nonsense.
Genome position (GRCh38, 1-based): chr9:137,145,861, C>T. VCF-style: chr9-137145861-C-T. GRCh37 (hg19) VCF-style: chr9-140040313-C-T.
Other names: c.529C>T, p.Gln177Ter (NM_000832.7, NM_001185090.2, NM_001185091.2 and 1 more transcripts); short protein forms Q177*.
Identifiers: ClinVar variation 1484756 (VCV001484756.6), dbSNP rs2131217643, ClinGen allele CA375714117.
Genomic context (GRCh38, chr9:137,145,861, plus strand): 5'-GTCTACAGCTGGAACCACATCATCCTGCTGGTCAGCGACGACCACGAGGGCCGGGCGGCT[C>T]AGAAACGCCTGGAGACGCTGCTGGAGGAGCGTGAGTCCAAGGTGAGGGTCGGCGCCGCGG-3'